The following is an entry in ClinVar:

NM_000135.4(FANCA):c.4051G>C (p.Glu1351Gln)

Genes: FANCA (FA complementation group A; minus strand), ZNF276 (zinc finger protein 276; plus strand). Cytogenetic location: 16q24.3.
Variant type: single nucleotide variant.
Coding change: c.4051G>C on transcript NM_000135.4 (MANE Select); coding-DNA position 4051, G replaced by C.
Protein change: p.Glu1351Gln; replaces glutamic acid 1351 with glutamine.
Molecular consequence: missense variant. On other transcripts: 3 prime UTR variant (2), non-coding transcript variant (4).
Genome position (GRCh38, 1-based): chr16:89,739,249, C>G on the plus strand (G>C on the coding strand, the complement: FANCA is on the minus strand). VCF-style: chr16-89739249-C-G. GRCh37 (hg19) VCF-style: chr16-89805657-C-G.
Other names: c.4051G>C, p.Glu1351Gln (NM_001286167.3); c.*1003C>G (NM_001113525.2, NM_152287.4); short protein forms E1351Q.
Identifiers: ClinVar variation 649207 (VCV000649207.3), dbSNP rs761934804, ClinGen allele CA8250798.

ClinVar aggregate classification (germline): Uncertain significance (1 of 4 stars; one submission).

Conditions:
Fanconi anemia (FA). Also called: Fanconi's anemia. Identifiers: Orphanet 84, MedGen C0015625, MeSH D005199, MONDO:0019391.

Allele frequency attached by ClinVar (database versions not stated): TOPMed 0.00001; gnomAD 0.00001.
gnomAD v4.1: 8 of 1,614,050 alleles (0.0005%); highest among the groups gnomAD compares: Non-Finnish European, 0.00068%; no homozygotes.

Submission:

Labcorp Genetics (formerly Invitae), Labcorp
Classification: Uncertain significance for Fanconi anemia. Last evaluated: 2022-02-12. Review status: criteria provided, single submitter. Criteria: Invitae Variant Classification Sherloc (09022015). Collection method: clinical testing. Allele origin: germline.
Comment: This sequence change replaces glutamic acid, which is acidic and polar, with glutamine, which is neutral and polar, at codon 1351 of the FANCA protein (p.Glu1351Gln). This variant is present in population databases (rs761934804, gnomAD 0.002%). This variant has not been reported in the literature in individuals affected with FANCA-related conditions. ClinVar contains an entry for this variant (Variation ID: 649207). Advanced modeling of protein sequence and biophysical properties (such as structural, functional, and spatial information, amino acid conservation, physicochemical variation, residue mobility, and thermodynamic stability) performed at Invitae indicates that this missense variant is not expected to disrupt FANCA protein function. In summary, the available evidence is currently insufficient to determine the role of this variant in disease. Therefore, it has been classified as a Variant of Uncertain Significance.